The following is an entry in ClinVar:

NM_031935.3(HMCN1):c.10718A>T (p.Asp3573Val)

Gene: HMCN1 (hemicentin 1; plus strand). Cytogenetic location: 1q31.1.
Variant type: single nucleotide variant.
Coding change: c.10718A>T on transcript NM_031935.3 (MANE Select); coding-DNA position 10718, A replaced by T.
Protein change: p.Asp3573Val; replaces aspartic acid 3573 with valine.
Molecular consequence: missense variant.
Genome position (GRCh38, 1-based): chr1:186,103,616, A>T. VCF-style: chr1-186103616-A-T. GRCh37 (hg19) VCF-style: chr1-186072748-A-T.
Other names: short protein forms D3573V.
Identifiers: ClinVar variation 2705799 (VCV002705799.3), dbSNP rs1571355954, ClinGen allele CA343935341.

ClinVar aggregate classification (germline): Uncertain significance (1 of 4 stars; one submission).

Allele frequency attached by ClinVar (database versions not stated): gnomAD 0.00001; gnomAD exomes 0.00003.
gnomAD v4.1: 18 of 1,613,794 alleles (0.0011%); highest among the groups gnomAD compares: East Asian, 0.04%; no homozygotes.

Submission:

Labcorp Genetics (formerly Invitae), Labcorp
Classification: Uncertain significance. Last evaluated: 2024-01-06. Review status: criteria provided, single submitter. Criteria: Invitae Variant Classification Sherloc (09022015). Collection method: clinical testing. Allele origin: germline.
Comment: This sequence change replaces aspartic acid, which is acidic and polar, with valine, which is neutral and non-polar, at codon 3573 of the HMCN1 protein (p.Asp3573Val). This variant is not present in population databases (gnomAD no frequency). This variant has not been reported in the literature in individuals affected with HMCN1-related conditions. An algorithm developed to predict the effect of missense changes on protein structure and function (PolyPhen-2) suggests that this variant is likely to be tolerated. In summary, the available evidence is currently insufficient to determine the role of this variant in disease. Therefore, it has been classified as a Variant of Uncertain Significance.